The following is an entry in ClinVar:

NM_001377229.1(DISP1):c.88C>G (p.Pro30Ala)

Gene: DISP1 (dispatched RND transporter family member 1; plus strand). Cytogenetic location: 1q41.
Variant type: single nucleotide variant.
Coding change: c.88C>G on transcript NM_001377229.1 (MANE Select); coding-DNA position 88, C replaced by G.
Protein change: p.Pro30Ala; replaces proline 30 with alanine.
Molecular consequence: missense variant. On other transcripts: 5 prime UTR variant (1).
Genome position (GRCh38, 1-based): chr1:222,942,911, C>G. VCF-style: chr1-222942911-C-G. GRCh37 (hg19) VCF-style: chr1-223116253-C-G.
Other names: c.-800C>G (NM_001350630.2); c.88C>G, p.Pro30Ala (NM_001369594.1, NM_001377228.1, NM_032890.5); short protein forms P30A.
Identifiers: ClinVar variation 3675302 (VCV003675302.2).

ClinVar aggregate classification (germline): Uncertain significance (1 of 4 stars; one submission).

Submission:

Labcorp Genetics (formerly Invitae), Labcorp
Classification: Uncertain significance. Last evaluated: 2024-12-04. Review status: criteria provided, single submitter. Criteria: Invitae Variant Classification Sherloc (09022015). Collection method: clinical testing. Allele origin: germline.
Comment: This sequence change replaces proline, which is neutral and non-polar, with alanine, which is neutral and non-polar, at codon 30 of the DISP1 protein (p.Pro30Ala). This variant is not present in population databases (gnomAD no frequency). This variant has not been reported in the literature in individuals affected with DISP1-related conditions. An algorithm developed to predict the effect of missense changes on protein structure and function outputs the following: PolyPhen-2: "Benign". The alanine amino acid residue is found in multiple mammalian species, which suggests that this missense change does not adversely affect protein function. In summary, the available evidence is currently insufficient to determine the role of this variant in disease. Therefore, it has been classified as a Variant of Uncertain Significance.